The following is an entry in ClinVar:

NM_001382567.1(STIM1):c.1239G>A (p.Lys413=)

Gene: STIM1 (stromal interaction molecule 1; plus strand). Cytogenetic location: 11p15.4.
Variant type: single nucleotide variant.
Coding change: c.1239G>A on transcript NM_001382567.1 (MANE Select); coding-DNA position 1239, G replaced by A.
Protein change: p.Lys413=; no amino-acid change (lysine 413 retained).
Molecular consequence: synonymous variant. On other transcripts: non-coding transcript variant (2).
Genome position (GRCh38, 1-based): chr11:4,083,263, G>A. VCF-style: chr11-4083263-G-A. GRCh37 (hg19) VCF-style: chr11-4104493-G-A.
Other names: c.1239G>A, p.Lys413= (NM_001277961.3, NM_001277962.2, NM_003156.4); c.1017G>A, p.Lys339= (NM_001382566.1, NM_001382573.1, NM_001382575.1 and 4 more transcripts); c.1260G>A, p.Arg420= (NM_001382568.1); c.1104G>A, p.Lys368= (NM_001382569.1); c.1011G>A, p.Lys337= (NM_001382570.1); c.759G>A, p.Lys253= (NM_001382571.1); c.750G>A, p.Lys250= (NM_001382580.1, NM_001382581.1).
Identifiers: ClinVar variation 2921438 (VCV002921438.3), dbSNP rs2498476995, ClinGen allele CA472869178.

ClinVar aggregate classification (germline): Uncertain significance (1 of 4 stars; one submission).

Conditions:
Myopathy with tubular aggregates (TAM). Also called: Tubular Aggregate Myopathy. Identifiers: Orphanet 2593, MedGen C0410207, MONDO:0008051.
Combined immunodeficiency due to STIM1 deficiency. Also called: IMMUNODEFICIENCY 10; STIM1 DEFICIENCY. Identifiers: Orphanet 169090, Orphanet 317430, MedGen C2748557, MONDO:0013008, OMIM 612783.
Stormorken syndrome (STRMK). Also called: THROMBOCYTOPATHY, ASPLENIA, AND MIOSIS. Identifiers: Orphanet 3204, MedGen C1861451, MONDO:0008497, OMIM 185070.

Allele frequency attached by ClinVar (database versions not stated): gnomAD exomes below 0.00001.
gnomAD v4.1: 1 of 1,614,058 alleles (0.000062%); highest among the groups gnomAD compares: South Asian, 0.0011%; no homozygotes.

Submission:

Labcorp Genetics (formerly Invitae), Labcorp
Classification: Uncertain significance for Myopathy with tubular aggregates; Combined immunodeficiency due to STIM1 deficiency; Stormorken syndrome. Last evaluated: 2024-03-20. Review status: criteria provided, single submitter. Criteria: Invitae Variant Classification Sherloc (09022015). Collection method: clinical testing. Allele origin: germline.
Comment: This sequence change affects codon 413 of the STIM1 mRNA. It is a 'silent' change, meaning that it does not change the encoded amino acid sequence of the STIM1 protein. It affects a nucleotide within the consensus splice site. This variant is not present in population databases (gnomAD no frequency). This variant has not been reported in the literature in individuals affected with STIM1-related conditions. Algorithms developed to predict the effect of sequence changes on RNA splicing suggest that this variant is not likely to affect RNA splicing. In summary, the available evidence is currently insufficient to determine the role of this variant in disease. Therefore, it has been classified as a Variant of Uncertain Significance.